The following is an entry in ClinVar:

ClinVar aggregate classification (germline): Benign. Review status: criteria provided, multiple submitters, no conflicts (2 of 4 stars). 2 submissions from 2 submitters: Benign (2). Last evaluated 2018-01-13.

Conditions:
Maturity-onset diabetes of the young type 7 (MODY7). Identifiers: Orphanet 552, MedGen C1864839, MONDO:0012513, OMIM 610508.

Allele frequency attached by ClinVar (database versions not stated): 1000 Genomes Project 30x 0.04669; 1000 Genomes Project 0.04673; TOPMed 0.07631; gnomAD 0.07793 and 0.07883; gnomAD exomes 0.10067.
gnomAD v4.1: 30,348 of 334,048 alleles (9.1%); highest among the groups gnomAD compares: Middle Eastern, 19%; 1,680 homozygotes.

Submissions (4):

Illumina Laboratory Services, Illumina
Classification: Benign for Maturity-onset diabetes of the young type 7. Last evaluated: 2018-01-13. Review status: criteria provided, single submitter. Criteria: ICSL Variant Classification Criteria 13 December 2019. Collection method: clinical testing. Allele origin: germline.
Comment: This variant was observed in the ICSL laboratory as part of a predisposition screen in an ostensibly healthy population. It had not been previously curated by ICSL or reported in the Human Gene Mutation Database (HGMD: prior to June 1st, 2018), and was therefore a candidate for classification through an automated scoring system. Utilizing variant allele frequency, disease prevalence and penetrance estimates, and inheritance mode, an automated score was calculated to assess if this variant is too frequent to cause the disease. Based on the score and internal cut-off values, a variant classified as benign is not then subjected to further curation. The score for this variant resulted in a classification of benign for this disease.

Breakthrough Genomics
Classification: Benign. Review status: criteria provided, single submitter. Criteria: ACMG Guidelines, 2015. Collection method: not provided. Allele origin: germline. Inheritance: Unknown mechanism. Affected: yes.

Dr. Peter K. Rogan Lab, Western University
No classification provided (evidence only). Condition: Acute myeloid leukemia. Review status: no classification provided. Collection method: in vitro. Allele origin: not applicable. Functional consequence: retained intron. Not counted in ClinVar's aggregate classification.

Dr. Peter K. Rogan Lab, Western University
No classification provided (evidence only). Condition: Thymoma. Review status: no classification provided. Collection method: in vitro. Allele origin: not applicable. Functional consequence: retained intron. Not counted in ClinVar's aggregate classification.

NM_003597.5(KLF11):c.*435A>T

Gene: KLF11 (KLF transcription factor 11; plus strand). Cytogenetic location: 2p25.1.
Variant type: single nucleotide variant.
Coding change: c.*435A>T on transcript NM_003597.5 (MANE Select); 435 bases downstream of the stop codon, A replaced by T.
Molecular consequence: 3 prime UTR variant.
Genome position (GRCh38, 1-based): chr2:10,052,942, A>T. VCF-style: chr2-10052942-A-T. GRCh37 (hg19) VCF-style: chr2-10193069-A-T.
Other names: NC_000002.11:g.10193069A>T; c.*435A>T (NM_001177716.2, NM_001177718.2).
Identifiers: ClinVar variation 330653 (VCV000330653.7), dbSNP rs72786612, ClinGen allele CA10610524.